The following is an entry in ClinVar:

NM_001142800.2(EYS):c.8465A>G (p.Tyr2822Cys)

Genes: EYS (EGF-like photoreceptor maintenance factor; minus strand), PHF3 (PHD finger protein 3; plus strand). Cytogenetic location: 6q12.
Variant type: single nucleotide variant.
Coding change: c.8465A>G on transcript NM_001142800.2 (MANE Select); coding-DNA position 8465, A replaced by G.
Protein change: p.Tyr2822Cys; replaces tyrosine 2822 with cysteine.
Molecular consequence: missense variant. On other transcripts: 3 prime UTR variant (5).
Genome position (GRCh38, 1-based): chr6:63,721,566, T>C on the plus strand (A>G on the coding strand, the complement: EYS is on the minus strand). VCF-style: chr6-63721566-T-C. GRCh37 (hg19) VCF-style: chr6-64431462-T-C.
Other names: c.*7858T>C (NM_001290259.2, NM_001370348.2, NM_001370349.2 and 2 more transcripts); c.8528A>G, p.Tyr2843Cys (NM_001292009.2); c.8465A>G (NM_001142800.1); short protein forms Y2822C, Y2843C.
Identifiers: ClinVar variation 4293940 (VCV004293940.2).
Genomic context (GRCh38, chr6:63,721,566, plus strand): 5'-ACAGGTTCATTTTCTATTGCCATGGGATTTACAAGATTTAAAGAAGATACTCCTCCAATA[T>C]AGAAGTCTGTATTTGTGTCCAGAGAACTCATTTTAGTGGAGGCCTTTTCTGTTACATTTA-3'
Protein context (NP_001136272.1, residues 2812-2832): MSSLDTNTDF[Tyr2822Cys]IGGVSSLNLV

ClinVar aggregate classification (germline): Uncertain significance. Review status: criteria provided, multiple submitters, no conflicts (2 of 4 stars). 2 submissions from 2 submitters: Uncertain significance (2). Last evaluated 2026-02-06.

Conditions:
Retinitis pigmentosa 25 (RP25). Identifiers: Orphanet 791, MedGen C1864446, MONDO:0011272, OMIM 602772.
EYS-related disorder. Also called: EYS-related condition.

gnomAD v4.1: 10 of 1,551,526 alleles (0.00064%); highest among the groups gnomAD compares: South Asian, 0.0012%; no homozygotes.

Submissions (2):

PreventionGenetics, part of Exact Sciences
Classification: Uncertain significance for EYS-related condition. Last evaluated: 2026-02-06. Review status: criteria provided, single submitter. Criteria: ACMG Guidelines, 2015. Collection method: clinical testing. Allele origin: germline.
Comment: The EYS c.8465A>G variant is predicted to result in the amino acid substitution p.Tyr2822Cys. To our knowledge, this variant has not been reported in the literature. This variant is present in 0.0049% of alleles in individuals of European (Finnish) descent in gnomAD. At this time, the clinical significance of this variant is uncertain due to the absence of conclusive functional and genetic evidence.

3billion
Classification: Uncertain significance for Retinitis pigmentosa 25. Last evaluated: 2025-01-18. Review status: criteria provided, single submitter. Criteria: ACMG Guidelines, 2015. Collection method: clinical testing. Allele origin: germline. Affected: yes.
Comment: The variant is observed at an extremely low frequency in the gnomAD v4.1.0 dataset (total allele frequency: <0.001%). Predicted Consequence/Location: Missense variant. The majority of the known disease-causing variants of this gene are variants expected to result in premature termination of the protein. In silico tool predictions suggest damaging effect of the variant on gene or gene product [REVEL: 0.60 (>=0.6, sensitivity 0.68 and specificity 0.92)]. Therefore, this variant is classified as VUS according to the recommendation of ACMG/AMP guideline.